The following is an entry in ClinVar:

ClinVar aggregate classification (germline): Likely benign (0 of 4 stars; one submission).

Conditions:
EBF3-related disorder. Identifiers: MedGen CN239924.

Allele frequency attached by ClinVar (database versions not stated): gnomAD exomes 0.00011; ExAC 0.00028; 1000 Genomes Project 0.00060; 1000 Genomes Project 30x 0.00062; gnomAD 0.00094; TOPMed 0.00107; ESP Exome Variant Server 0.00128.

Submission:

PreventionGenetics, part of Exact Sciences
Classification: Likely benign for EBF3-related condition. Last evaluated: 2023-10-26. Review status: no assertion criteria provided. Collection method: clinical testing. Allele origin: germline.
Comment: This variant is classified as likely benign based on ACMG/AMP sequence variant interpretation guidelines (Richards et al. 2015 PMID: 25741868, with internal and published modifications).

NM_001375380.1(EBF3):c.1040-7del

Gene: EBF3 (EBF transcription factor 3; minus strand). Cytogenetic location: 10q26.3.
Variant type: Deletion.
Coding change: c.1040-7del on transcript NM_001375380.1 (MANE Select); 7 bases into the intron before coding-DNA position 1040, one base deleted (G; older notation c.1040-7delG).
Molecular consequence: intron variant.
Genome position (GRCh38, 1-based): chr10:129,848,487, C deleted on the plus strand (G on the coding strand, the reverse complement: EBF3 is on the minus strand). VCF-style (leftmost placement, unchanged base first): chr10-129848486-AC-A. GRCh37 (hg19) VCF-style: chr10-131646750-AC-A.
Other names: c.1013-7del (NM_001375392.1, NM_001005463.3, NM_001375390.1); c.1040-7del (NM_001375391.1, NM_001375389.1, NM_001375379.1).
Identifiers: ClinVar variation 3047781 (VCV003047781.2), dbSNP rs369511450, ClinGen allele CA5748526.